The following is an entry in ClinVar:

NM_000742.4(CHRNA2):c.822C>G (p.Ile274Met)

Gene: CHRNA2 (cholinergic receptor nicotinic alpha 2 subunit; minus strand). Cytogenetic location: 8p21.2.
Variant type: single nucleotide variant.
Coding change: c.822C>G on transcript NM_000742.4 (MANE Select); coding-DNA position 822, C replaced by G.
Protein change: p.Ile274Met; replaces isoleucine 274 with methionine.
Molecular consequence: missense variant.
Genome position (GRCh38, 1-based): chr8:27,463,621, G>C on the plus strand (C>G on the coding strand, the complement: CHRNA2 is on the minus strand). VCF-style: chr8-27463621-G-C. GRCh37 (hg19) VCF-style: chr8-27321138-G-C.
Other names: c.777C>G, p.Ile259Met (NM_001282455.2); c.345C>G, p.Ile115Met (NM_001347705.2, NM_001347706.2); c.228C>G, p.Ile76Met (NM_001347707.2, NM_001347708.2); short protein forms I115M, I259M, I274M, I76M.
Identifiers: ClinVar variation 2133516 (VCV002133516.4), dbSNP rs1812595896, ClinGen allele CA370810586.
Genomic context (GRCh38, chr8:27,463,621, plus strand): 5'-GCCGCAGTCGGAGGGCAGGTAGAAGACCAGCACAGTGAGGCAGGAGATGAGCAGGCAGGG[G>C]ATGATGAGGTTGATGGTGTAGAAGAGCGGCAGCCGCCGGATGACGAAGGCGTAGGTGACG-3'
Protein context (NP_000733.2, residues 264-284): LPLFYTINLI[Ile274Met]PCLLISCLTV

ClinVar aggregate classification (germline): Uncertain significance (1 of 4 stars; one submission).

Conditions:
Familial sleep-related hypermotor epilepsy. Also called: Autosomal Dominant Sleep-Related Hypermotor (Hyperkinetic) Epilepsy. Identifiers: Orphanet 98784, MedGen C3696898, MONDO:0000030.

Submission:

Labcorp Genetics (formerly Invitae), Labcorp
Classification: Uncertain significance. Last evaluated: 2022-08-26. Review status: criteria provided, single submitter. Criteria: Invitae Variant Classification Sherloc (09022015). Collection method: clinical testing. Allele origin: germline.
Comment: Algorithms developed to predict the effect of missense changes on protein structure and function are either unavailable or do not agree on the potential impact of this missense change (SIFT: "Deleterious"; PolyPhen-2: "Possibly Damaging"; Align-GVGD: "Class C0"). This variant has not been reported in the literature in individuals affected with CHRNA2-related conditions. This variant is not present in population databases (gnomAD no frequency). This sequence change replaces isoleucine, which is neutral and non-polar, with methionine, which is neutral and non-polar, at codon 274 of the CHRNA2 protein (p.Ile274Met). In summary, the available evidence is currently insufficient to determine the role of this variant in disease. Therefore, it has been classified as a Variant of Uncertain Significance.